The following is an entry in ClinVar:

NM_018699.4(PRDM5):c.744-3T>C

Gene: PRDM5 (PR/SET domain 5; minus strand). Cytogenetic location: 4q27.
Variant type: single nucleotide variant.
Coding change: c.744-3T>C on transcript NM_018699.4 (MANE Select); 3 bases into the intron before coding-DNA position 744, T replaced by C.
Molecular consequence: intron variant.
Genome position (GRCh38, 1-based): chr4:120,816,577, A>G on the plus strand (T>C on the coding strand, the complement: PRDM5 is on the minus strand). VCF-style: chr4-120816577-A-G. GRCh37 (hg19) VCF-style: chr4-121737732-A-G.
Other names: c.744-3T>C (NM_018699.2, NM_001379104.1); c.651-3T>C (NM_001300824.2, NM_001379106.1, NM_001300823.2).
Identifiers: ClinVar variation 3895704 (VCV003895704.2).

ClinVar aggregate classification (germline): Uncertain significance. Review status: criteria provided, multiple submitters, no conflicts (2 of 4 stars). 2 submissions from 2 submitters: Uncertain significance (2). Last evaluated 2026-05-28.

Conditions:
Cardiovascular phenotype. Identifiers: MedGen CN230736.

gnomAD v4.1: 15 of 1,614,050 alleles (0.00093%); highest among the groups gnomAD compares: African/African-American, 0.0013%; no homozygotes.

Submissions (2):

Ambry Genetics
Classification: Uncertain significance for Cardiovascular phenotype. Last evaluated: 2026-05-28. Review status: criteria provided, single submitter. Criteria: Ambry Variant Classification Scheme 2023. Collection method: clinical testing. Allele origin: germline.
Comment: The c.744-3T>C intronic variant results from a T to C substitution 3 nucleotides upstream from coding exon 7 in the PRDM5 gene. This nucleotide position is not well conserved in available vertebrate species. In silico splice site analysis predicts that this alteration will not have any significant effect on splicing. Based on the available evidence, the clinical significance of this variant remains unclear.

Women's Health and Genetics/Laboratory Corporation of America, LabCorp
Classification: Uncertain significance. Last evaluated: 2025-03-28. Review status: criteria provided, single submitter. Criteria: LabCorp Variant Classification Summary - May 2015. Collection method: clinical testing. Allele origin: germline.
Comment: Variant summary: PRDM5 c.744-3T>C alters a non-conserved nucleotide located close to a canonical splice site and therefore could affect mRNA splicing, leading to a significantly altered protein sequence. Consensus agreement among computation tools predict no significant impact on normal splicing. However, these predictions have yet to be confirmed by functional studies. The variant was absent in 250798 control chromosomes (gnomAD). The available data on variant occurrences in the general population are insufficient to allow any conclusion about variant significance. To our knowledge, no occurrence of c.744-3T>C in individuals affected with Brittle cornea syndrome 2 and no experimental evidence demonstrating its impact on protein function have been reported. No submitters have cited clinical-significance assessments for this variant to ClinVar. Based on the evidence outlined above, the variant was classified as uncertain significance.